The following is an entry in ClinVar:

NM_152578.3(FMR1NB):c.108G>A (p.Ser36=)

Gene: FMR1NB (FMR1 neighbor; plus strand). Cytogenetic location: Xq27.3.
Variant type: single nucleotide variant.
Coding change: c.108G>A on transcript NM_152578.3 (MANE Select); coding-DNA position 108, G replaced by A.
Protein change: p.Ser36=; no amino-acid change (serine 36 retained).
Molecular consequence: synonymous variant.
Genome position (GRCh38, 1-based): chrX:147,981,510, G>A. VCF-style: chrX-147981510-G-A. GRCh37 (hg19) VCF-style: chrX-147063030-G-A.
Identifiers: ClinVar variation 2661595 (VCV002661595.24), dbSNP rs151160499, ClinGen allele CA10536536.

ClinVar aggregate classification (germline): Likely benign (1 of 4 stars; one submission).

Allele frequency attached by ClinVar (database versions not stated): TOPMed 0.00003; gnomAD 0.00005; gnomAD exomes 0.00009.
gnomAD v4.1: 103 of 1,209,920 alleles (0.0085%); highest among the groups gnomAD compares: Non-Finnish European, 0.011%; no homozygotes.

Submission:

CeGaT Center for Human Genetics Tuebingen
Classification: Likely benign. Last evaluated: 2022-04-01. Review status: criteria provided, single submitter. Criteria: CeGaT Center For Human Genetics Tuebingen Variant Classification Criteria Version 2. Collection method: clinical testing. Allele origin: germline. Affected: yes. Observed: 1 variant allele.
Comment: FMR1NB: BP4, BP7